The following is an entry in ClinVar:

NM_005573.4(LMNB1):c.94_96del (p.Glu32del)

Gene: LMNB1 (lamin B1; plus strand). Cytogenetic location: 5q23.2.
Variant type: Deletion.
Coding change: c.94_96del on transcript NM_005573.4 (MANE Select); coding-DNA positions 94 to 96, 3 bases deleted (GAG; older notation c.94_96delGAG).
Protein change: p.Glu32del; deletes glutamic acid 32.
Molecular consequence: inframe deletion. On other transcripts: non-coding transcript variant (1), intron variant (1).
Genome position (GRCh38, 1-based): chr5:126,777,602-126,777,604, GAG deleted; deleting any 3 consecutive bases within chr5:126,777,600-126,777,604 gives the same sequence; the c. name uses the placement nearest the transcript's 3' end. VCF-style (leftmost placement, unchanged base first): chr5-126777599-CAGG-C. GRCh37 (hg19) VCF-style: chr5-126113291-CAGG-C.
Other names: c.-272+358_-272+360del (NM_001198557.2); short protein forms E32del.
Identifiers: ClinVar variation 2205569 (VCV002205569.2), dbSNP rs2479404185, ClinGen allele CA2521818432.
Genomic context (GRCh38, chr5:126,777,599, plus strand): 5'-ATGGGCAGCCGCGCTGGCGGCCCCACCACGCCGCTGAGCCCCACGCGCCTGTCGCGGCTC[CAGG>C]AGAAGGAGGAGCTGCGCGAGCTCAATGACCGGCTGGCGGTGTACATCGACAAGGTGCGCA-3'

ClinVar aggregate classification (germline): Uncertain significance (1 of 4 stars; one submission).

Conditions:
Inborn genetic diseases. Identifiers: MedGen C0950123, MeSH D030342.

Submission:

Ambry Genetics
Classification: Uncertain significance for Inborn genetic diseases. Last evaluated: 2021-09-07. Review status: criteria provided, single submitter. Criteria: Ambry Variant Classification Scheme 2023. Collection method: clinical testing. Allele origin: germline.
Comment: The c.94_96delGAG (p.E32del) alteration, located in exon 1 (coding exon 1) of the LMNB1 gene, results from an in-frame GAG deletion at nucleotide positions 94 to 96. This results in the deletion of a glutamic acid (E) residue at codon 32. This variant was not reported in population-based cohorts in the Genome Aggregation Database (gnomAD). This amino acid position is highly conserved in available vertebrate species. This alteration is predicted to be deleterious by in silico analysis (Choi, 2012). Based on insufficient or conflicting evidence, the clinical significance of this alteration remains unclear.